The following is an entry in ClinVar:

ClinVar aggregate classification (germline): Uncertain significance. Review status: criteria provided, multiple submitters, no conflicts (2 of 4 stars). 2 submissions from 2 submitters: Uncertain significance (2). Last evaluated 2022-12-22.

Conditions:
Ataxia-telangiectasia syndrome (AT). Also called: Ataxia telangiectasia (A-T); LOUIS-BAR SYNDROME; Cerebello-oculocutaneous telangiectasia; Immunodeficiency with ataxia telangiectasia; Ataxia-telangiectasia, complementation group D; AT, COMPLEMENTATION GROUP C. Identifiers: Orphanet 100, MedGen C0004135, MONDO:0008840, OMIM 208900.
Hereditary cancer-predisposing syndrome. Also called: Hereditary neoplastic syndrome; Neoplastic Syndromes, Hereditary; Tumor predisposition; Hereditary Cancer Syndrome. Identifiers: Orphanet 140162, MedGen C0027672, MeSH D009386, MONDO:0015356.

Submissions (2):

Labcorp Genetics (formerly Invitae), Labcorp
Classification: Uncertain significance for Ataxia-telangiectasia syndrome. Last evaluated: 2022-12-22. Review status: criteria provided, single submitter. Criteria: Invitae Variant Classification Sherloc (09022015). Collection method: clinical testing. Allele origin: germline.
Comment: Algorithms developed to predict the effect of sequence changes on RNA splicing suggest that this variant may create or strengthen a splice site. ClinVar contains an entry for this variant (Variation ID: 1692889). This variant has not been reported in the literature in individuals affected with ATM-related conditions. This variant is not present in population databases (gnomAD no frequency). This sequence change affects codon 2186 of the ATM mRNA. It is a 'silent' change, meaning that it does not change the encoded amino acid sequence of the ATM protein. In summary, the available evidence is currently insufficient to determine the role of this variant in disease. Therefore, it has been classified as a Variant of Uncertain Significance.

Sema4
Classification: Uncertain significance for Hereditary cancer-predisposing syndrome. Last evaluated: 2021-10-24. Review status: criteria provided, single submitter. Criteria: Sema4 Curation Guidelines. Collection method: curation. Allele origin: germline.
Comment: The ATM c.6558G>T (p.G2186=) variant has not been reported in the literature to our knowledge. It was not observed in the large and broad cohorts of the Genome Aggregation Database (PMID: 32461654). This variant has not been reported in ClinVar. In silico tools suggest the variant may create a cryptic splice donor site, though these predictions have not been confirmed by functional studies. The evidence is insufficient to meet ACMG/AMP criteria for classifying the variant as benign or pathogenic. Thus, the clinical significance of this variant is currently uncertain.

NM_000051.4(ATM):c.6558G>T (p.Gly2186=)

Genes: ATM (ATM serine/threonine kinase; plus strand), C11orf65 (chromosome 11 open reading frame 65; minus strand). Cytogenetic location: 11q22.3.
Variant type: single nucleotide variant.
Coding change: c.6558G>T on transcript NM_000051.4 (MANE Select); coding-DNA position 6558, G replaced by T.
Protein change: p.Gly2186=; no amino-acid change (glycine 2186 retained).
Molecular consequence: synonymous variant. On other transcripts: intron variant (2).
Genome position (GRCh38, 1-based): chr11:108,321,406, G>T. VCF-style: chr11-108321406-G-T. GRCh37 (hg19) VCF-style: chr11-108192133-G-T.
Other names: c.6558G>T, p.Gly2186= (NM_001351834.2); c.641-12335C>A (NM_001330368.2); c.*39-12335C>A (NM_001351110.2).
Identifiers: ClinVar variation 1692889 (VCV001692889.5), dbSNP rs1555117263, ClinGen allele CA476676238.
Genomic context (GRCh38, chr11:108,321,406, plus strand): 5'-GTATTCGCTCTATCCCACACTTAGCAGGTTGCAGGCCATTGGAGAGCTGGAAAGCATTGG[G>T]GAGCTTTTCTCAAGGTATGTAATTCGTATGACTTTGTTATCCTAAAGTGCAGCTTTTCTG-3'
Protein context (NP_000042.3, residues 2176-2196): LQAIGELESI[Gly2186=]ELFSRSVTHR